The following is an entry in ClinVar:

ClinVar aggregate classification (germline): Uncertain significance (1 of 4 stars; one submission).

Conditions:
Growth hormone insensitivity with immune dysregulation 1, autosomal recessive. Also called: GROWTH HORMONE INSENSITIVITY DUE TO POSTRECEPTOR DEFECT; LARON SYNDROME DUE TO POSTRECEPTOR DEFECT; GROWTH HORMONE INSENSITIVITY SYNDROME WITH IMMUNE DYSREGULATION 1, AUTOSOMAL RECESSIVE; Laron syndrome with immunodeficiency. Identifiers: Orphanet 220465, MedGen C5435698, MONDO:0100211, OMIM 245590.

gnomAD v4.1: 44 of 1,614,010 alleles (0.0027%); highest among the groups gnomAD compares: Non-Finnish European, 0.0033%; no homozygotes.

Submission:

Labcorp Genetics (formerly Invitae), Labcorp
Classification: Uncertain significance for Growth hormone insensitivity with immune dysregulation 1, autosomal recessive. Last evaluated: 2021-03-30. Review status: criteria provided, single submitter. Criteria: Invitae Variant Classification Sherloc (09022015). Collection method: clinical testing. Allele origin: germline.
Comment: This variant has not been reported in the literature in individuals with STAT5B-related disease. This variant is present in population databases (rs143092033, ExAC 0.002%). This sequence change replaces proline with glutamine at codon 188 of the STAT5B protein (p.Pro188Gln). The proline residue is weakly conserved and there is a moderate physicochemical difference between proline and glutamine. In summary, the available evidence is currently insufficient to determine the role of this variant in disease. Therefore, it has been classified as a Variant of Uncertain Significance. Algorithms developed to predict the effect of missense changes on protein structure and function output the following: SIFT: "Tolerated"; PolyPhen-2: "Benign"; Align-GVGD: "Class C0". The glutamine amino acid residue is found in multiple mammalian species, suggesting that this missense change does not adversely affect protein function. These predictions have not been confirmed by published functional studies and their clinical significance is uncertain.

NM_012448.4(STAT5B):c.563C>A (p.Pro188Gln)

Gene: STAT5B (signal transducer and activator of transcription 5B; minus strand). Cytogenetic location: 17q21.2.
Variant type: single nucleotide variant.
Coding change: c.563C>A on transcript NM_012448.4 (MANE Select); coding-DNA position 563, C replaced by A.
Protein change: p.Pro188Gln; replaces proline 188 with glutamine.
Molecular consequence: missense variant.
Genome position (GRCh38, 1-based): chr17:42,219,830, G>T on the plus strand (C>A on the coding strand, the complement: STAT5B is on the minus strand). VCF-style: chr17-42219830-G-T. GRCh37 (hg19) VCF-style: chr17-40371848-G-T.
Other names: short protein forms P188Q.
Identifiers: ClinVar variation 1419858 (VCV001419858.8), dbSNP rs143092033, ClinGen allele CA8574236.